The following is an entry in ClinVar:

NM_000069.3(CACNA1S):c.248A>G (p.Asn83Ser)

Gene: CACNA1S (calcium voltage-gated channel subunit alpha1 S; minus strand). Cytogenetic location: 1q32.1.
Variant type: single nucleotide variant.
Coding change: c.248A>G on transcript NM_000069.3 (MANE Select); coding-DNA position 248, A replaced by G.
Protein change: p.Asn83Ser; replaces asparagine 83 with serine.
Molecular consequence: missense variant.
Genome position (GRCh38, 1-based): chr1:201,110,174, T>C on the plus strand (A>G on the coding strand, the complement: CACNA1S is on the minus strand). VCF-style: chr1-201110174-T-C. GRCh37 (hg19) VCF-style: chr1-201079302-T-C.
Other names: short protein forms N83S.
Identifiers: ClinVar variation 3074092 (VCV003074092.1), dbSNP rs1663043526, ClinGen allele CA344155655.

ClinVar aggregate classification (germline): Uncertain significance (1 of 4 stars; one submission).

Conditions:
Malignant hyperthermia, susceptibility to, 5 (MHS5). Also called: CACNA1S-Related Malignant Hyperthermia Susceptibility. Identifiers: Orphanet 423, MedGen C1866077, MONDO:0011163, OMIM 601887.

Submission:

All of Us Research Program, National Institutes of Health
Classification: Uncertain significance for Malignant hyperthermia, susceptibility to, 5. Last evaluated: 2023-10-23. Review status: criteria provided, single submitter. Criteria: ACMG Guidelines, 2015. Collection method: clinical testing. Allele origin: germline. Inheritance: Autosomal dominant inheritance. Observed: 1 variant allele, 1 heterozygote.
Comment: This missense variant replaces asparagine with serine at codon 83 of the CACNA1S protein. Computational prediction suggests that this variant may have deleterious impact on protein structure and function (internally defined REVEL score threshold >= 0.7, PMID: 27666373). To our knowledge, functional studies have not been reported for this variant. This variant has not been reported in individuals affected with CACNA1S-related disorders in the literature. This variant has not been identified in the general population by the Genome Aggregation Database (gnomAD). The available evidence is insufficient to determine the role of this variant in disease conclusively. Therefore, this variant is classified as a Variant of Uncertain Significance.

This study involves interpretation of variants in research participants for the purpose of population health screening. Participant phenotype was not available at the time of variant classification. Additional details can be found in publication PMID: 35346344, PMCID: PMC8962531